The following is an entry in ClinVar:

NM_001164277.2(SLC37A4):c.1172_1173insT (p.Ser392fs)

Gene: SLC37A4 (solute carrier family 37 member 4; minus strand). Cytogenetic location: 11q23.3.
Variant type: Insertion.
Coding change: c.1172_1173insT on transcript NM_001164277.2 (MANE Select); coding-DNA positions 1172 to 1173, T inserted.
Protein change: p.Ser392fs; shifts the reading frame from serine 392.
Molecular consequence: frameshift variant.
Genome position: GRCh38 VCF-style: chr11-119025027-G-GA. GRCh37 (hg19) VCF-style: chr11-118895737-G-GA.
Other names: c.1238_1239insT, p.Ser414fs (NM_001164278.2); c.953_954insT, p.Ser319fs (NM_001164279.2); c.1172_1173insT, p.Ser392fs (NM_001164280.2, NM_001467.6); short protein forms S319fs, S392fs, S414fs.
Identifiers: ClinVar variation 2772843 (VCV002772843.3), dbSNP rs2497010232, ClinGen allele CA2697552050.

ClinVar aggregate classification (germline): Pathogenic (1 of 4 stars; one submission).

Conditions:
Glucose-6-phosphate transport defect (GSD1B). Also called: Glycogen Storage Disease Type Ib; GSD Ib. Identifiers: Orphanet 364, Orphanet 79259, MedGen C0268146, MONDO:0009288, OMIM 232220.

Submission:

Labcorp Genetics (formerly Invitae), Labcorp
Classification: Pathogenic for Glucose-6-phosphate transport defect. Last evaluated: 2023-11-07. Review status: criteria provided, single submitter. Criteria: Invitae Variant Classification Sherloc (09022015). Collection method: clinical testing. Allele origin: germline.
Comment: This sequence change creates a premature translational stop signal (p.Ser392Glnfs*10) in the SLC37A4 gene. While this is not anticipated to result in nonsense mediated decay, it is expected to disrupt the last 38 amino acid(s) of the SLC37A4 protein. This variant is not present in population databases (gnomAD no frequency). This variant has not been reported in the literature in individuals affected with SLC37A4-related conditions. Algorithms developed to predict the effect of sequence changes on RNA splicing suggest that this variant may disrupt the consensus splice site. This variant disrupts a region of the SLC37A4 protein in which other variant(s) (p.Arg415* ) have been determined to be pathogenic (PMID: 10482962, 10931421, 15059622, 21575371). This suggests that this is a clinically significant region of the protein, and that variants that disrupt it are likely to be disease-causing. For these reasons, this variant has been classified as Pathogenic.

Literature cited by the submitters: PubMed 10482962; PubMed 10931421; PubMed 15059622; PubMed 21575371.